The following is an entry in ClinVar:

NM_000271.5(NPC1):c.3754+4A>G

Gene: NPC1 (NPC intracellular cholesterol transporter 1; minus strand). Cytogenetic location: 18q11.2.
Variant type: single nucleotide variant.
Coding change: c.3754+4A>G on transcript NM_000271.5 (MANE Select); 4 bases into the intron after coding-DNA position 3754, A replaced by G.
Molecular consequence: intron variant.
Genome position (GRCh38, 1-based): chr18:23,533,351, T>C on the plus strand (A>G on the coding strand, the complement: NPC1 is on the minus strand). VCF-style: chr18-23533351-T-C. GRCh37 (hg19) VCF-style: chr18-21113315-T-C.
Identifiers: ClinVar variation 1353331 (VCV001353331.3), dbSNP rs2145335270, ClinGen allele CA2573155183.
Genomic context (GRCh38, chr18:23,533,351, plus strand): 5'-GGATAGAATTCCCTTTCAGTAATGTCCTTCTATTGTGCCACCCTTTTAAGATGAGAACTC[T>C]TACCTATGTAACTGAGTAAGACAGGGAGAAATATTAATCCGTGAGTGGCTCCCAGTAAGA-3'

ClinVar aggregate classification (germline): Uncertain significance (1 of 4 stars; one submission).

Conditions:
Niemann-Pick disease, type C1. Also called: NEUROVISCERAL STORAGE DISEASE WITH VERTICAL SUPRANUCLEAR OPHTHALMOPLEGIA; NIEMANN-PICK DISEASE WITH CHOLESTEROL ESTERIFICATION BLOCK; NIEMANN-PICK DISEASE WITHOUT SPHINGOMYELINASE DEFICIENCY; NIEMANN-PICK DISEASE, CHRONIC NEURONOPATHIC FORM; NIEMANN-PICK DISEASE, VARIANT TYPE C1. Identifiers: Orphanet 646, MedGen C3179455, MONDO:0009757, OMIM 257220.

Allele frequency attached by ClinVar (database versions not stated): gnomAD exomes below 0.00001.
gnomAD v4.1: 5 of 1,613,798 alleles (0.00031%); highest among the groups gnomAD compares: Non-Finnish European, 0.00042%; no homozygotes.

Submission:

Labcorp Genetics (formerly Invitae), Labcorp
Classification: Uncertain significance for Niemann-Pick disease, type C1. Last evaluated: 2020-12-16. Review status: criteria provided, single submitter. Criteria: Invitae Variant Classification Sherloc (09022015). Collection method: clinical testing. Allele origin: germline.
Comment: This sequence change falls in intron 24 of the NPC1 gene. It does not directly change the encoded amino acid sequence of the NPC1 protein. It affects a nucleotide within the consensus splice site of the intron. This variant is not present in population databases (ExAC no frequency). This variant has not been reported in the literature in individuals with NPC1-related conditions. Nucleotide substitutions within the consensus splice site are a relatively common cause of aberrant splicing (PMID: 17576681, 9536098). Algorithms developed to predict the effect of sequence changes on RNA splicing suggest that this variant may disrupt the consensus splice site, but this prediction has not been confirmed by published transcriptional studies. In summary, the available evidence is currently insufficient to determine the role of this variant in disease. Therefore, it has been classified as a Variant of Uncertain Significance.

Literature cited by the submitters: PubMed 17576681; PubMed 9536098.